The following is an entry in ClinVar:

ClinVar aggregate classification (germline): Uncertain significance (1 of 4 stars; one submission).

Allele frequency attached by ClinVar (database versions not stated): gnomAD exomes below 0.00001.
gnomAD v4.1: 1 of 1,606,356 alleles (0.000062%); highest among the groups gnomAD compares: South Asian, 0.0011%; no homozygotes.

Submission:

Labcorp Genetics (formerly Invitae), Labcorp
Classification: Uncertain significance. Last evaluated: 2023-01-15. Review status: criteria provided, single submitter. Criteria: Invitae Variant Classification Sherloc (09022015). Collection method: clinical testing. Allele origin: germline.
Comment: This sequence change replaces phenylalanine, which is neutral and non-polar, with leucine, which is neutral and non-polar, at codon 109 of the KCNH1 protein (p.Phe109Leu). This variant is present in population databases (no rsID available, gnomAD 0.004%). This variant has not been reported in the literature in individuals affected with KCNH1-related conditions. Advanced modeling of protein sequence and biophysical properties (such as structural, functional, and spatial information, amino acid conservation, physicochemical variation, residue mobility, and thermodynamic stability) performed at Invitae indicates that this missense variant is expected to disrupt KCNH1 protein function. In summary, the available evidence is currently insufficient to determine the role of this variant in disease. Therefore, it has been classified as a Variant of Uncertain Significance.

NM_172362.3(KCNH1):c.325T>C (p.Phe109Leu)

Gene: KCNH1 (potassium voltage-gated channel subfamily H member 1; minus strand). Cytogenetic location: 1q32.2.
Variant type: single nucleotide variant.
Coding change: c.325T>C on transcript NM_172362.3 (MANE Select); coding-DNA position 325, T replaced by C.
Protein change: p.Phe109Leu; replaces phenylalanine 109 with leucine.
Molecular consequence: missense variant.
Genome position (GRCh38, 1-based): chr1:211,090,676, A>G on the plus strand (T>C on the coding strand, the complement: KCNH1 is on the minus strand). VCF-style: chr1-211090676-A-G. GRCh37 (hg19) VCF-style: chr1-211264018-A-G.
Other names: c.325T>C, p.Phe109Leu (NM_002238.4); short protein forms F109L.
Identifiers: ClinVar variation 2827900 (VCV002827900.3), dbSNP rs1292389792, ClinGen allele CA344875462.